The following is an entry in ClinVar:

NM_012092.4(ICOS):c.272dup (p.Ser91fs)

Gene: ICOS (inducible T cell costimulator; plus strand). Cytogenetic location: 2q33.2.
Variant type: Duplication.
Coding change: c.272dup on transcript NM_012092.4 (MANE Select); coding-DNA position 272, one base duplicated (G; older notation c.272dupG).
Protein change: p.Ser91fs; shifts the reading frame from serine 91.
Molecular consequence: frameshift variant.
Genome position (GRCh38, 1-based): chr2:203,955,849, G duplicated. VCF-style (leftmost placement, unchanged base first): chr2-203955848-A-AG. GRCh37 (hg19) VCF-style: chr2-204820571-A-AG.
Other names: short protein forms S91fs.
Identifiers: ClinVar variation 4728975 (VCV004728975.1).

ClinVar aggregate classification (germline): Pathogenic (1 of 4 stars; one submission).

Conditions:
Immunodeficiency, common variable, 1. Also called: ANTIBODY DEFICIENCY DUE TO ICOS DEFECT. Identifiers: Orphanet 1572, Orphanet 695183, MedGen C3149378, MONDO:0011864, OMIM 607594.

Submission:

Labcorp Genetics (formerly Invitae), Labcorp
Classification: Pathogenic for Immunodeficiency, common variable, 1. Last evaluated: 2025-10-16. Review status: criteria provided, single submitter. Criteria: Invitae Variant Classification Sherloc (09022015). Collection method: clinical testing. Allele origin: germline.
Comment: This sequence change creates a premature translational stop signal (p.Ser91Argfs*25) in the ICOS gene. It is expected to result in an absent or disrupted protein product. Loss-of-function variants in ICOS are known to be pathogenic (PMID: 11343122, 12577056, 19380800). This variant is not present in population databases (gnomAD no frequency). This variant has not been reported in the literature in individuals affected with ICOS-related conditions. For these reasons, this variant has been classified as Pathogenic.

Literature cited by the submitters: PubMed 11343122; PubMed 12577056; PubMed 19380800.